The following is an entry in ClinVar:

ClinVar aggregate classification (germline): Uncertain significance. Review status: criteria provided, single submitter (1 of 4 stars). 2 submissions from 2 submitters: Uncertain significance (1). 1 of the submissions does not count toward it. Last evaluated 2023-11-09.

Conditions:
Osteogenesis imperfecta type I (OI1). Also called: Lobstein's Disease; Lobstein disease; Osteogenesis imperfecta type 1; OI, TYPE I; OSTEOGENESIS IMPERFECTA TARDA; OSTEOGENESIS IMPERFECTA WITH BLUE SCLERAE. Identifiers: Orphanet 216796, Orphanet 666, MedGen C0023931, MONDO:0008146, OMIM 166200. Disease mechanism: loss of function.

Submissions (2):

GeneDx
Classification: Uncertain significance. Last evaluated: 2023-11-09. Review status: criteria provided, single submitter. Criteria: GeneDx Variant Classification Process June 2021. Collection method: clinical testing. Allele origin: germline. Affected: yes.
Comment: Not observed at significant frequency in large population cohorts (gnomAD); In silico analysis supports a deleterious effect on splicing; This variant is associated with the following publications: (PMID: 25944380, 25963598)

Department of Medical Sciences, Uppsala University
Classification: Pathogenic for OI type I. Review status: no assertion criteria provided. Collection method: clinical testing. Allele origin: unknown. Affected: yes. Observed: 1 variant allele. Not counted in ClinVar's aggregate classification.

Literature cited by the submitters: PubMed 25944380 (cited by Department of Medical Sciences, Uppsala University).

NM_000088.4(COL1A1):c.2667+3_2667+6del

Gene: COL1A1 (collagen type I alpha 1 chain; minus strand). Cytogenetic location: 17q21.33.
Variant type: Deletion.
Coding change: c.2667+3_2667+6del on transcript NM_000088.4 (MANE Select); bases 3 to 6 of the intron after coding-DNA position 2667, 4 bases deleted (AAGT; older notation c.2667+3_2667+6delAAGT).
Molecular consequence: splice donor variant.
Genome position (GRCh38, 1-based): chr17:50,189,673-50,189,676, ACTT deleted on the plus strand (AAGT on the coding strand, the reverse complement: COL1A1 is on the minus strand); deleting any 4 consecutive bases within chr17:50,189,673-50,189,678 gives the same sequence; the c. name uses the placement nearest the transcript's 3' end. VCF-style (leftmost placement, unchanged base first): chr17-50189672-GACTT-G. GRCh37 (hg19) VCF-style: chr17-48267033-GACTT-G.
Other names: c.2667+3_2667+6del (LRG_1t1).
Identifiers: ClinVar variation 425613 (VCV000425613.2), dbSNP rs1114167393, ClinGen allele CA645294103.